The following is an entry in ClinVar:

ClinVar aggregate classification (germline): Uncertain significance (1 of 4 stars; one submission).

Submission:

Labcorp Genetics (formerly Invitae), Labcorp
Classification: Uncertain significance. Last evaluated: 2024-06-26. Review status: criteria provided, single submitter. Criteria: Invitae Variant Classification Sherloc (09022015). Collection method: clinical testing. Allele origin: germline.
Comment: This sequence change replaces histidine, which is basic and polar, with tyrosine, which is neutral and polar, at codon 430 of the BUB1 protein (p.His430Tyr). This variant is not present in population databases (gnomAD no frequency). This variant has not been reported in the literature in individuals affected with BUB1-related conditions. Experimental studies and prediction algorithms are not available or were not evaluated, and the functional significance of this variant is currently unknown. In summary, the available evidence is currently insufficient to determine the role of this variant in disease. Therefore, it has been classified as a Variant of Uncertain Significance.

NM_004336.5(BUB1):c.1288C>T (p.His430Tyr)

Gene: BUB1 (BUB1 mitotic checkpoint serine/threonine kinase; minus strand). Cytogenetic location: 2q13.
Variant type: single nucleotide variant.
Coding change: c.1288C>T on transcript NM_004336.5 (MANE Select); coding-DNA position 1288, C replaced by T.
Protein change: p.His430Tyr; replaces histidine 430 with tyrosine.
Molecular consequence: missense variant.
Genome position (GRCh38, 1-based): chr2:110,658,731, G>A on the plus strand (C>T on the coding strand, the complement: BUB1 is on the minus strand). VCF-style: chr2-110658731-G-A. GRCh37 (hg19) VCF-style: chr2-111416308-G-A.
Other names: c.1228C>T, p.His410Tyr (NM_001278616.2); c.1288C>T, p.His430Tyr (NM_001278617.2); short protein forms H410Y, H430Y.
Identifiers: ClinVar variation 3657927 (VCV003657927.2).